The following is an entry in ClinVar:

NM_001110556.2(FLNA):c.2953G>A (p.Val985Ile)

Gene: FLNA (filamin A; minus strand). Cytogenetic location: Xq28.
Variant type: single nucleotide variant.
Coding change: c.2953G>A on transcript NM_001110556.2 (MANE Select); coding-DNA position 2953, G replaced by A.
Protein change: p.Val985Ile; replaces valine 985 with isoleucine.
Molecular consequence: missense variant.
Genome position (GRCh38, 1-based): chrX:154,361,562, C>T on the plus strand (G>A on the coding strand, the complement: FLNA is on the minus strand). VCF-style: chrX-154361562-C-T. GRCh37 (hg19) VCF-style: chrX-153589930-C-T.
Other names: c.2953G>A, p.Val985Ile (NM_001456.4); c.2953G>A (NM_001110556.1); short protein forms V985I.
Identifiers: ClinVar variation 1039306 (VCV001039306.12), dbSNP rs781884864, ClinGen allele CA10560793.

ClinVar aggregate classification (germline): Benign/Likely benign. Review status: criteria provided, multiple submitters, no conflicts (2 of 4 stars). 5 submissions from 5 submitters: Benign (1); Likely benign (3). 1 of the submissions does not count toward it. Last evaluated 2026-08-01.

Conditions:
FLNA-related disorder.
Heterotopia, periventricular, X-linked dominant (PVNH1). Also called: PERIVENTRICULAR NODULAR HETEROTOPIA 1; X-linked periventricular heterotopia; PERIVENTRICULAR NODULAR HETEROTOPIA 4; HETEROTOPIA, PERIVENTRICULAR, 1. Identifiers: Orphanet 2149, Orphanet 82004, MedGen C1848213, MONDO:0010233, OMIM 300049.
Melnick-Needles syndrome (MNS). Also called: OSTEODYSPLASTY OF MELNICK AND NEEDLES; Melnick-Needles Syndrome (FLNA-MNS); MELNICK-NEEDLES OSTEODYSPLASTY. Identifiers: Orphanet 2484, MedGen C0025237, MONDO:0010650, OMIM 309350.
Frontometaphyseal dysplasia (FMD1). Identifiers: Orphanet 1826, MedGen C0265293, MONDO:0015942.
Oto-palato-digital syndrome, type II (OPD2). Also called: OPD II SYNDROME; Otopalatodigital Syndrome Type 2 (FLNA-OPD2); FACIOPALATOOSSEOUS SYNDROME; Otopalatodigital Syndrome, Type II. Identifiers: Orphanet 669, Orphanet 90652, MedGen C1844696, MONDO:0010571, OMIM 304120.

Allele frequency attached by ClinVar (database versions not stated): gnomAD 0.00002; gnomAD exomes 0.00002 and 0.00006; TOPMed 0.00002; ExAC 0.00003.
gnomAD v4.1: 20 of 1,209,750 alleles (0.0017%); highest among the groups gnomAD compares: Admixed American, 0.022%; no homozygotes.

Submissions (5):

CeGaT Center for Human Genetics Tuebingen
Classification: Likely benign. Last evaluated: 2026-08-01. Review status: criteria provided, single submitter. Criteria: CeGaT Center For Human Genetics Tuebingen Variant Classification Criteria Version 2. Collection method: clinical testing. Allele origin: germline. Affected: yes. Observed: 1 variant allele.
Comment: FLNA: BS2

Labcorp Genetics (formerly Invitae), Labcorp
Classification: Benign for Oto-palato-digital syndrome, type II; Heterotopia, periventricular, X-linked dominant; Frontometaphyseal dysplasia; Melnick-Needles syndrome. Last evaluated: 2025-10-31. Review status: criteria provided, single submitter. Criteria: Invitae Variant Classification Sherloc (09022015). Collection method: clinical testing. Allele origin: germline.

ARUP Laboratories, Molecular Genetics and Genomics, ARUP Laboratories
Classification: Likely benign. Last evaluated: 2023-10-18. Review status: criteria provided, single submitter. Criteria: ARUP Molecular Germline Variant Investigation Process 2024. Collection method: clinical testing. Allele origin: germline.

GeneDx
Classification: Likely benign. Last evaluated: 2018-10-30. Review status: criteria provided, single submitter. Criteria: GeneDx Variant Classification Process June 2021. Collection method: clinical testing. Allele origin: germline. Affected: yes.

PreventionGenetics, part of Exact Sciences
Classification: Likely benign for FLNA-related condition. Last evaluated: 2024-06-13. Review status: no assertion criteria provided. Collection method: clinical testing. Allele origin: germline. Not counted in ClinVar's aggregate classification.
Comment: This variant is classified as likely benign based on ACMG/AMP sequence variant interpretation guidelines (Richards et al. 2015 PMID: 25741868, with internal and published modifications).